The following is an entry in ClinVar:

NM_024426.6(WT1):c.373G>A (p.Gly125Ser)

Genes: WT1 (WT1 transcription factor; minus strand), LOC107982234 (WT1/WT1-AS bi-directional promoter region; plus strand). Cytogenetic location: 11p13.
Variant type: single nucleotide variant.
Coding change: c.373G>A on transcript NM_024426.6 (MANE Select); coding-DNA position 373, G replaced by A.
Protein change: p.Gly125Ser; replaces glycine 125 with serine.
Molecular consequence: missense variant. On other transcripts: non-coding transcript variant (2).
Genome position (GRCh38, 1-based): chr11:32,434,988, C>T on the plus strand (G>A on the coding strand, the complement: WT1 is on the minus strand). VCF-style: chr11-32434988-C-T. GRCh37 (hg19) VCF-style: chr11-32456534-C-T.
Other names: c.373G>A, p.Gly125Ser (NM_000378.6, NM_001407044.1, NM_001407045.1 and 6 more transcripts); c.154G>A, p.Gly52Ser (NM_001429031.1, NM_001429032.1, NM_001429033.1 and 1 more transcripts); short protein forms G120S, G125S, G52S.
Identifiers: ClinVar variation 3370888 (VCV003370888.4).

ClinVar aggregate classification (germline): Uncertain significance. Review status: criteria provided, multiple submitters, no conflicts (2 of 4 stars). 3 submissions from 3 submitters: Uncertain significance (3). Last evaluated 2025-08-20.

Conditions:
Inborn genetic diseases. Identifiers: MedGen C0950123, MeSH D030342.
Drash syndrome (DDS). Also called: NEPHROPATHY, WILMS TUMOR, AND GENITAL ANOMALIES; WILMS TUMOR AND PSEUDO- OR TRUE HERMAPHRODITISM. Identifiers: Orphanet 220, MedGen C0950121, MONDO:0008682, OMIM 194080.
Frasier syndrome. Identifiers: Orphanet 347, MedGen C0950122, MeSH D052159, MONDO:0007635, OMIM 136680.
Wilms tumor 1 (WT1). Also called: Wilms tumor, somatic. Identifiers: Orphanet 654, MedGen CN033288, MONDO:0008679, OMIM 194070.
11p partial monosomy syndrome (WAGR). Also called: CHROMOSOME 11p13 DELETION SYNDROME; WAGR Complex; WAGR syndrome; WAGR Spectrum Disorder. Identifiers: Orphanet 893, MedGen C0206115, MONDO:0008681, OMIM 194072.

Submissions (3):

Labcorp Genetics (formerly Invitae), Labcorp
Classification: Uncertain significance for Wilms tumor 1; Drash syndrome; 11p partial monosomy syndrome; Frasier syndrome. Last evaluated: 2025-08-20. Review status: criteria provided, single submitter. Criteria: Invitae Variant Classification Sherloc (09022015). Collection method: clinical testing. Allele origin: germline.
Comment: This sequence change replaces glycine, which is neutral and non-polar, with serine, which is neutral and polar, at codon 120 of the WT1 protein (p.Gly120Ser). This variant is not present in population databases (gnomAD no frequency). This variant has not been reported in the literature in individuals affected with WT1-related conditions. ClinVar contains an entry for this variant (Variation ID: 3370888). An algorithm developed to predict the effect of missense changes on protein structure and function outputs the following: PolyPhen-2: "Benign". The serine amino acid residue is found in multiple mammalian species, which suggests that this missense change does not adversely affect protein function. In summary, the available evidence is currently insufficient to determine the role of this variant in disease. Therefore, it has been classified as a Variant of Uncertain Significance.

Ambry Genetics
Classification: Uncertain significance for Inborn genetic diseases. Last evaluated: 2025-04-06. Review status: criteria provided, single submitter. Criteria: Ambry Variant Classification Scheme 2023. Collection method: clinical testing. Allele origin: germline.
Comment: The p.G120S variant (also known as c.358G>A), located in coding exon 1 of the WT1 gene, results from a G to A substitution at nucleotide position 358. The glycine at codon 120 is replaced by serine, an amino acid with similar properties. This amino acid position is conserved. In addition, this alteration is predicted to be tolerated by in silico analysis. Based on the available evidence, the clinical significance of this variant remains unclear.

GeneDx
Classification: Uncertain significance. Last evaluated: 2024-03-12. Review status: criteria provided, single submitter. Criteria: GeneDx Variant Classification Process June 2021. Collection method: clinical testing. Allele origin: germline. Affected: yes.
Comment: Not observed at significant frequency in large population cohorts (gnomAD); In silico analysis supports that this missense variant does not alter protein structure/function; Has not been previously published as pathogenic or benign to our knowledge; This variant is associated with the following publications: (PMID: 8486616)